The following is an entry in ClinVar:

ClinVar aggregate classification (germline): Uncertain significance (1 of 4 stars; one submission).

Conditions:
Hereditary pancreatitis (PCTT). Also called: Hereditary chronic pancreatitis; PRSS1-Related Hereditary Pancreatitis. Identifiers: Orphanet 676, MedGen C0238339, MONDO:0008185, OMIM 167800.

Submission:

Ambry Genetics
Classification: Uncertain significance for Hereditary pancreatitis. Last evaluated: 2024-12-09. Review status: criteria provided, single submitter. Criteria: Ambry Variant Classification Scheme 2023. Collection method: clinical testing. Allele origin: germline.
Comment: The p.N106H variant (also known as c.316A>C), located in coding exon 3 of the PRSS1 gene, results from an A to C substitution at nucleotide position 316. The asparagine at codon 106 is replaced by histidine, an amino acid with similar properties. This amino acid position is conserved. In addition, the in silico prediction for this alteration is inconclusive. Based on the available evidence, the clinical significance of this variant remains unclear.

NM_002769.5(PRSS1):c.316A>C (p.Asn106His)

Genes: PRSS1 (serine protease 1; plus strand), TRB (T cell receptor beta locus; plus strand). Cytogenetic location: 7q34.
Variant type: single nucleotide variant.
Coding change: c.316A>C on transcript NM_002769.5 (MANE Select); coding-DNA position 316, A replaced by C.
Protein change: p.Asn106His; replaces asparagine 106 with histidine.
Molecular consequence: missense variant. On other transcripts: non-coding transcript variant (4).
Genome position (GRCh38, 1-based): chr7:142,751,889, A>C. VCF-style: chr7-142751889-A-C. GRCh37 (hg19) VCF-style: chr7-142459740-A-C.
Other names: short protein forms N106H.
Identifiers: ClinVar variation 3426348 (VCV003426348.1).